The following is an entry in ClinVar:

NM_024741.3(ZNF408):c.1642G>A (p.Gly548Arg)

Gene: ZNF408 (zinc finger protein 408; plus strand). Cytogenetic location: 11p11.2.
Variant type: single nucleotide variant.
Coding change: c.1642G>A on transcript NM_024741.3 (MANE Select); coding-DNA position 1642, G replaced by A.
Protein change: p.Gly548Arg; replaces glycine 548 with arginine.
Molecular consequence: missense variant.
Genome position (GRCh38, 1-based): chr11:46,705,342, G>A. VCF-style: chr11-46705342-G-A. GRCh37 (hg19) VCF-style: chr11-46726892-G-A.
Other names: c.1618G>A, p.Gly540Arg (NM_001184751.2); short protein forms G548R, G540R.
Identifiers: ClinVar variation 1439941 (VCV001439941.7), dbSNP rs780263053, ClinGen allele CA5966618.

ClinVar aggregate classification (germline): Uncertain significance. Review status: criteria provided, multiple submitters, no conflicts (2 of 4 stars). 2 submissions from 2 submitters: Uncertain significance (2). Last evaluated 2025-03-17.

Allele frequency attached by ClinVar (database versions not stated): TOPMed 0.00001; gnomAD 0.00003 and 0.00004; gnomAD exomes 0.00003; ExAC 0.00005.
gnomAD v4.1: 24 of 1,610,958 alleles (0.0015%); highest among the groups gnomAD compares: Admixed American, 0.0033%; no homozygotes.

Submissions (2):

Labcorp Genetics (formerly Invitae), Labcorp
Classification: Uncertain significance. Last evaluated: 2025-03-17. Review status: criteria provided, single submitter. Criteria: Invitae Variant Classification Sherloc (09022015). Collection method: clinical testing. Allele origin: germline.
Comment: This sequence change replaces glycine, which is neutral and non-polar, with arginine, which is basic and polar, at codon 548 of the ZNF408 protein (p.Gly548Arg). This variant is present in population databases (rs780263053, gnomAD 0.009%). This variant has not been reported in the literature in individuals affected with ZNF408-related conditions. ClinVar contains an entry for this variant (Variation ID: 1439941). An algorithm developed to predict the effect of missense changes on protein structure and function (PolyPhen-2) suggests that this variant is likely to be disruptive. In summary, the available evidence is currently insufficient to determine the role of this variant in disease. Therefore, it has been classified as a Variant of Uncertain Significance.

Blueprint Genetics
Classification: Uncertain significance. Last evaluated: 2021-12-23. Review status: criteria provided, single submitter. Criteria: ACMG Guidelines, 2015. Collection method: clinical testing. Allele origin: germline.